The following is an entry in ClinVar:

ClinVar aggregate classification (germline): Uncertain significance. Review status: criteria provided, single submitter (1 of 4 stars). 2 submissions from 2 submitters: Uncertain significance (1). 1 of the submissions does not count toward it. Last evaluated 2025-09-10.

Conditions:
RAI1-related disorder. Also called: RAI1-related condition.

Submissions (2):

Labcorp Genetics (formerly Invitae), Labcorp
Classification: Uncertain significance. Last evaluated: 2025-09-10. Review status: criteria provided, single submitter. Criteria: Invitae Variant Classification Sherloc (09022015). Collection method: clinical testing. Allele origin: germline.
Comment: This sequence change replaces aspartic acid, which is acidic and polar, with histidine, which is basic and polar, at codon 1479 of the RAI1 protein (p.Asp1479His). This variant is not present in population databases (gnomAD no frequency). This variant has not been reported in the literature in individuals affected with RAI1-related conditions. ClinVar contains an entry for this variant (Variation ID: 2202492). Invitae Evidence Modeling of protein sequence and biophysical properties (such as structural, functional, and spatial information, amino acid conservation, physicochemical variation, residue mobility, and thermodynamic stability) indicates that this missense variant is not expected to disrupt RAI1 protein function with a negative predictive value of 80%. In summary, the available evidence is currently insufficient to determine the role of this variant in disease. Therefore, it has been classified as a Variant of Uncertain Significance.

PreventionGenetics, part of Exact Sciences
Classification: Uncertain significance for RAI1-related condition. Last evaluated: 2024-04-22. Review status: no assertion criteria provided. Collection method: clinical testing. Allele origin: germline. Not counted in ClinVar's aggregate classification.
Comment: The RAI1 c.4435G>C variant is predicted to result in the amino acid substitution p.Asp1479His. To our knowledge, this variant has not been reported in the literature or in a large population database, indicating this variant is rare. At this time, the clinical significance of this variant is uncertain due to the absence of conclusive functional and genetic evidence.

NM_030665.4(RAI1):c.4435G>C (p.Asp1479His)

Gene: RAI1 (retinoic acid induced 1; plus strand). Cytogenetic location: 17p11.2.
Variant type: single nucleotide variant.
Coding change: c.4435G>C on transcript NM_030665.4 (MANE Select); coding-DNA position 4435, G replaced by C.
Protein change: p.Asp1479His; replaces aspartic acid 1479 with histidine.
Molecular consequence: missense variant.
Genome position (GRCh38, 1-based): chr17:17,797,383, G>C. VCF-style: chr17-17797383-G-C. GRCh37 (hg19) VCF-style: chr17-17700697-G-C.
Other names: c.4435G>C (NM_030665.3); short protein forms D1479H.
Identifiers: ClinVar variation 2202492 (VCV002202492.5), dbSNP rs2543619655, ClinGen allele CA398556586.